The following is an entry in ClinVar:

NM_001199107.2(TBC1D24):c.1525+17G>A

Gene: TBC1D24 (TBC1 domain family member 24; plus strand). Cytogenetic location: 16p13.3.
Variant type: single nucleotide variant.
Coding change: c.1525+17G>A on transcript NM_001199107.2 (MANE Select); 17 bases into the intron after coding-DNA position 1525, G replaced by A.
Molecular consequence: intron variant.
Genome position (GRCh38, 1-based): chr16:2,500,507, G>A. VCF-style: chr16-2500507-G-A. GRCh37 (hg19) VCF-style: chr16-2550508-G-A.
Other names: c.1507+17G>A (NM_020705.3).
Identifiers: ClinVar variation 386481 (VCV000386481.10), dbSNP rs537260143, ClinGen allele CA7844316.

ClinVar aggregate classification (germline): Likely benign. Review status: criteria provided, multiple submitters, no conflicts (2 of 4 stars). 3 submissions from 3 submitters: Likely benign (3). Last evaluated 2024-10-15.

Conditions:
Developmental and epileptic encephalopathy, 1 (DEE1). Also called: INFANTILE SPASM SYNDROME, X-LINKED 1; X-linked infantile spasms; West's syndrome; Tonic spasms with clustering, arrest of psychomotor development and hypsarrhythmia on EEG; X-Linked Infantile Spasm Syndrome; Epileptic encephalopathy, early infantile, 1. Identifiers: MedGen C3463992, MONDO:0010632, OMIM 308350. Disease mechanism: loss of function.
Autosomal dominant nonsyndromic hearing loss 65. Also called: TBC1D24-Related Autosomal Dominant Nonsyndromic Hearing Loss (DFNA); Deafness, autosomal dominant 65. Identifiers: Orphanet 90635, MedGen C3892048, MONDO:0014470, OMIM 616044.

Allele frequency attached by ClinVar (database versions not stated): TOPMed 0.00003; gnomAD 0.00004 and 0.00005; gnomAD exomes 0.00005 and 0.00007; ExAC 0.00013; 1000 Genomes Project 30x 0.00016.
gnomAD v4.1: 78 of 1,547,058 alleles (0.005%); highest among the groups gnomAD compares: Non-Finnish European, 0.0062%; no homozygotes.

Submissions (3):

Labcorp Genetics (formerly Invitae), Labcorp
Classification: Likely benign for Developmental and epileptic encephalopathy, 1; Autosomal dominant nonsyndromic hearing loss 65. Last evaluated: 2024-10-15. Review status: criteria provided, single submitter. Criteria: Invitae Variant Classification Sherloc (09022015). Collection method: clinical testing. Allele origin: germline.

Blueprint Genetics
Classification: Likely benign. Last evaluated: 2024-05-15. Review status: criteria provided, single submitter. Criteria: ACMG Guidelines, 2015. Collection method: clinical testing. Allele origin: germline.

GeneDx
Classification: Likely benign. Last evaluated: 2016-05-20. Review status: criteria provided, single submitter. Criteria: GeneDx Variant Classification (06012015). Collection method: clinical testing. Allele origin: germline. Affected: yes.
Comment: This variant is considered likely benign or benign based on one or more of the following criteria: it is a conservative change, it occurs at a poorly conserved position in the protein, it is predicted to be benign by multiple in silico algorithms, and/or has population frequency not consistent with disease.